The following is an entry in ClinVar:

NM_014633.5(CTR9):c.111A>T (p.Glu37Asp)

Gene: CTR9 (CTR9 component of Paf1/RNA polymerase II complex; plus strand). Cytogenetic location: 11p15.4.
Variant type: single nucleotide variant.
Coding change: c.111A>T on transcript NM_014633.5 (MANE Select); coding-DNA position 111, A replaced by T.
Protein change: p.Glu37Asp; replaces glutamic acid 37 with aspartic acid.
Molecular consequence: missense variant.
Genome position (GRCh38, 1-based): chr11:10,752,737, A>T. VCF-style: chr11-10752737-A-T. GRCh37 (hg19) VCF-style: chr11-10774284-A-T.
Other names: c.111A>T, p.Glu37Asp (NM_001346279.2); short protein forms E37D.
Identifiers: ClinVar variation 1800524 (VCV001800524.5), dbSNP rs2539366664, ClinGen allele CA379675197.

ClinVar aggregate classification (germline): Uncertain significance. Review status: criteria provided, multiple submitters, no conflicts (2 of 4 stars). 2 submissions from 2 submitters: Uncertain significance (2). Last evaluated 2022-05-16.

Submissions (2):

GeneDx
Classification: Uncertain significance. Last evaluated: 2022-05-16. Review status: criteria provided, single submitter. Criteria: GeneDx Variant Classification Process June 2021. Collection method: clinical testing. Allele origin: germline. Affected: yes.
Comment: Not observed at significant frequency in large population cohorts (gnomAD); In silico analysis supports that this missense variant has a deleterious effect on protein structure/function; Has not been previously published as pathogenic or benign to our knowledge

Labcorp Genetics (formerly Invitae), Labcorp
Classification: Uncertain significance. Last evaluated: 2022-02-05. Review status: criteria provided, single submitter. Criteria: Invitae Variant Classification Sherloc (09022015). Collection method: clinical testing. Allele origin: germline.
Comment: This sequence change replaces glutamic acid, which is acidic and polar, with aspartic acid, which is acidic and polar, at codon 37 of the CTR9 protein (p.Glu37Asp). This variant is not present in population databases (gnomAD no frequency). This variant has not been reported in the literature in individuals affected with CTR9-related conditions. Algorithms developed to predict the effect of missense changes on protein structure and function are either unavailable or do not agree on the potential impact of this missense change (SIFT: "Deleterious"; PolyPhen-2: "Possibly Damaging"; Align-GVGD: "Class C0"). In summary, the available evidence is currently insufficient to determine the role of this variant in disease. Therefore, it has been classified as a Variant of Uncertain Significance.